The following is an entry in ClinVar:

ClinVar aggregate classification (germline): Pathogenic (1 of 4 stars; one submission).

Conditions:
Neuromuscular disease caused by qualitative or quantitative defects of dysferlin. Also called: Dysferlinopathy; Qualitative or quantitative defects of dysferlin. Identifiers: Orphanet 207073, MedGen C2931687, MONDO:0016145.

Submission:

Labcorp Genetics (formerly Invitae), Labcorp
Classification: Pathogenic for Neuromuscular disease caused by qualitative or quantitative defects of dysferlin. Last evaluated: 2022-06-03. Review status: criteria provided, single submitter. Criteria: Invitae Variant Classification Sherloc (09022015). Collection method: clinical testing. Allele origin: germline.
Comment: For these reasons, this variant has been classified as Pathogenic. This variant disrupts a region of the DYSF protein in which other variant(s) (p.Trp1094Arg) have been determined to be pathogenic (PMID: 33250842; Invitae). This suggests that this is a clinically significant region of the protein, and that variants that disrupt it are likely to be disease-causing. This variant, c.3280_3291del, results in the deletion of 4 amino acid(s) of the DYSF protein (p.Trp1094_Arg1097del), but otherwise preserves the integrity of the reading frame. This variant has not been reported in the literature in individuals affected with DYSF-related conditions. This variant is not present in population databases (gnomAD no frequency).

Literature cited by the submitters: PubMed 33250842.

NM_001130987.2(DYSF):c.3334_3345del (p.Trp1112_Arg1115del)

Gene: DYSF (dysferlin; plus strand). Cytogenetic location: 2p13.2.
Variant type: Deletion.
Coding change: c.3334_3345del on transcript NM_001130987.2 (MANE Select); coding-DNA positions 3334 to 3345, 12 bases deleted (TGGCGCCGTCGC).
Protein change: p.Trp1112_Arg1115del.
Molecular consequence: inframe deletion.
Genome position (GRCh38, 1-based): chr2:71,574,303-71,574,314, TGGCGCCGTCGC deleted; deleting any 12 consecutive bases within chr2:71,574,300-71,574,314 gives the same sequence; the c. name uses the placement nearest the transcript's 3' end. VCF-style (leftmost placement, unchanged base first): chr2-71574299-CCGCTGGCGCCGT-C. GRCh37 (hg19) VCF-style: chr2-71801429-CCGCTGGCGCCGT-C.
Other names: c.3283_3294del, p.Trp1095_Arg1098del (NM_001130455.2, NM_001130983.2); c.3238_3249del, p.Trp1080_Arg1083del (NM_001130976.2, NM_001130977.2); c.3280_3291del, p.Trp1094_Arg1097del (NM_001130978.2, NM_003494.4); c.3373_3384del, p.Trp1125_Arg1128del (NM_001130979.2); c.3331_3342del, p.Trp1111_Arg1114del (NM_001130980.2, NM_001130981.2); c.3376_3387del, p.Trp1126_Arg1129del (NM_001130982.2); c.3241_3252del, p.Trp1081_Arg1084del (NM_001130984.2, NM_001130986.2); c.3334_3345del, p.Trp1112_Arg1115del (NM_001130985.2).
Identifiers: ClinVar variation 2002194 (VCV002002194.4), dbSNP rs1311880928, ClinGen allele CA2580067865.
Genomic context (GRCh38, chr2:71,574,299, plus strand): 5'-CTCTCTTTTTGGCTGGAAGTTCCACCTCGAGTACCGCAAGACAGATGCCTTCCGCCGCCG[CCGCTGGCGCCGT>C]CGCATGGAGCCACTGGAGAAGACGGGGCCTGCAGCTGTGTTTGCCCTTGAGGGGGCCCTG-3'